The following is an entry in ClinVar:

ClinVar aggregate classification (germline): Uncertain significance (1 of 4 stars; one submission).

Conditions:
Inborn genetic diseases. Identifiers: MedGen C0950123, MeSH D030342.

Submission:

Ambry Genetics
Classification: Uncertain significance for Inborn genetic diseases. Last evaluated: 2024-12-07. Review status: criteria provided, single submitter. Criteria: Ambry Variant Classification Scheme 2023. Collection method: clinical testing. Allele origin: germline.
Comment: The p.G750S variant (also known as c.2248G>A), located in coding exon 14 of the PIK3CA gene, results from a G to A substitution at nucleotide position 2248. The glycine at codon 750 is replaced by serine, an amino acid with similar properties. This amino acid position is conserved. In addition, this alteration is predicted to be tolerated by in silico analysis. Based on the available evidence, the clinical significance of this variant remains unclear.

NM_006218.4(PIK3CA):c.2248G>A (p.Gly750Ser)

Gene: PIK3CA (phosphatidylinositol-4,5-bisphosphate 3-kinase catalytic subunit alpha; plus strand). Cytogenetic location: 3q26.32.
Variant type: single nucleotide variant.
Coding change: c.2248G>A on transcript NM_006218.4 (MANE Select); coding-DNA position 2248, G replaced by A.
Protein change: p.Gly750Ser; replaces glycine 750 with serine.
Molecular consequence: missense variant.
Genome position (GRCh38, 1-based): chr3:179,224,141, G>A. VCF-style: chr3-179224141-G-A. GRCh37 (hg19) VCF-style: chr3-178941929-G-A.
Other names: short protein forms G750S.
Identifiers: ClinVar variation 3418561 (VCV003418561.1).